The following is an entry in ClinVar:

ClinVar aggregate classification (germline): Uncertain significance (1 of 4 stars; one submission).

Conditions:
SMAD4-related disorder. Also called: SMAD4-related condition; SMAD4-Related disorders.

Submission:

PreventionGenetics, part of Exact Sciences
Classification: Uncertain significance for SMAD4-related condition. Last evaluated: 2023-09-26. Review status: criteria provided, single submitter. Criteria: ACMG Guidelines, 2015. Collection method: clinical testing. Allele origin: germline.
Comment: The SMAD4 c.931C>G variant is predicted to result in the amino acid substitution p.Gln311Glu. To our knowledge, this variant has not been reported in the literature or in a large population database, indicating this variant is rare. At this time, the clinical significance of this variant is uncertain due to the absence of conclusive functional and genetic evidence.

NM_005359.6(SMAD4):c.931C>G (p.Gln311Glu)

Gene: SMAD4 (SMAD family member 4; plus strand). Cytogenetic location: 18q21.2.
Variant type: single nucleotide variant.
Coding change: c.931C>G on transcript NM_005359.6 (MANE Select); coding-DNA position 931, C replaced by G.
Protein change: p.Gln311Glu; replaces glutamine 311 with glutamic acid.
Molecular consequence: missense variant. On other transcripts: non-coding transcript variant (2).
Genome position (GRCh38, 1-based): chr18:51,059,892, C>G. VCF-style: chr18-51059892-C-G. GRCh37 (hg19) VCF-style: chr18-48586262-C-G.
Other names: c.931C>G, p.Gln311Glu (NM_001407041.1, NM_001407042.1, NM_001407043.1); short protein forms Q311E.
Identifiers: ClinVar variation 2630800 (VCV002630800.1), dbSNP rs876658694, ClinGen allele CA402463692.
Genomic context (GRCh38, chr18:51,059,892, plus strand): 5'-AATAAAAATGGAATTTTTGTTGTCTTTTCTTTAGGGCCTGTTCACAATGAGCTTGCATTC[C>G]AGCCTCCCATTTCCAATCATCCTGGTAAGTGTATTTCAAAATTGATTTCCTGTATTTAGA-3'
Protein context (NP_005350.1, residues 301-321): YWPVHNELAF[Gln311Glu]PPISNHPAPE